The following is an entry in ClinVar:

NM_139057.4(ADAMTS17):c.1322A>G (p.Lys441Arg)

Gene: ADAMTS17 (ADAM metallopeptidase with thrombospondin type 1 motif 17; minus strand). Cytogenetic location: 15q26.3.
Variant type: single nucleotide variant.
Coding change: c.1322A>G on transcript NM_139057.4 (MANE Select); coding-DNA position 1322, A replaced by G.
Protein change: p.Lys441Arg; replaces lysine 441 with arginine.
Molecular consequence: missense variant.
Genome position (GRCh38, 1-based): chr15:100,155,180, T>C on the plus strand (A>G on the coding strand, the complement: ADAMTS17 is on the minus strand). VCF-style: chr15-100155180-T-C. GRCh37 (hg19) VCF-style: chr15-100695385-T-C.
Other names: short protein forms K441R.
Identifiers: ClinVar variation 885620 (VCV000885620.5), dbSNP rs145156568, ClinGen allele CA7758307.

ClinVar aggregate classification (germline): Uncertain significance. Review status: criteria provided, multiple submitters, no conflicts (2 of 4 stars). 2 submissions from 2 submitters: Uncertain significance (2). Last evaluated 2022-07-06.

Conditions:
Weill-Marchesani 4 syndrome, recessive. Also called: Weill-Marchesani syndrome 4. Identifiers: Orphanet 363992, MedGen C2750787, MONDO:0013176, OMIM 613195.

Allele frequency attached by ClinVar (database versions not stated): gnomAD 0.00005 and 0.00006; TOPMed 0.00008.
gnomAD v4.1: 177 of 1,614,106 alleles (0.011%); highest among the groups gnomAD compares: Middle Eastern, 0.016%; no homozygotes.

Submissions (2):

Labcorp Genetics (formerly Invitae), Labcorp
Classification: Uncertain significance. Last evaluated: 2022-07-06. Review status: criteria provided, single submitter. Criteria: Invitae Variant Classification Sherloc (09022015). Collection method: clinical testing. Allele origin: germline.
Comment: This sequence change replaces lysine, which is basic and polar, with arginine, which is basic and polar, at codon 441 of the ADAMTS17 protein (p.Lys441Arg). This variant is present in population databases (rs145156568, gnomAD 0.02%). This variant has not been reported in the literature in individuals affected with ADAMTS17-related conditions. ClinVar contains an entry for this variant (Variation ID: 885620). Algorithms developed to predict the effect of missense changes on protein structure and function output the following: SIFT: "Not Available"; PolyPhen-2: "Benign"; Align-GVGD: "Not Available". The arginine amino acid residue is found in multiple mammalian species, which suggests that this missense change does not adversely affect protein function. Algorithms developed to predict the effect of sequence changes on RNA splicing suggest that this variant may create or strengthen a splice site. In summary, the available evidence is currently insufficient to determine the role of this variant in disease. Therefore, it has been classified as a Variant of Uncertain Significance.

Illumina Laboratory Services, Illumina
Classification: Uncertain significance for Weill-Marchesani 4 syndrome, recessive. Last evaluated: 2018-01-12. Review status: criteria provided, single submitter. Criteria: ICSL Variant Classification Criteria 13 December 2019. Collection method: clinical testing. Allele origin: germline.